The following is an entry in ClinVar:

NM_004006.3(DMD):c.10128A>G (p.Leu3376=)

Gene: DMD (dystrophin; minus strand). Cytogenetic location: Xp21.2.
Variant type: single nucleotide variant.
Coding change: c.10128A>G on transcript NM_004006.3 (MANE Select); coding-DNA position 10128, A replaced by G.
Protein change: p.Leu3376=; no amino-acid change (leucine 3376 retained).
Molecular consequence: synonymous variant.
Genome position (GRCh38, 1-based): chrX:31,178,764, T>C on the plus strand (A>G on the coding strand, the complement: DMD is on the minus strand). VCF-style: chrX-31178764-T-C. GRCh37 (hg19) VCF-style: chrX-31196881-T-C.
Other names: c.10104A>G, p.Leu3368= (NM_000109.4); c.10116A>G, p.Leu3372= (NM_004009.3); c.9759A>G, p.Leu3253= (NM_004010.3); c.6105A>G, p.Leu2035= (NM_004011.4); c.6096A>G, p.Leu2032= (NM_004012.4); c.2748A>G, p.Leu916= (NM_004013.3, NM_004020.4, NM_004021.3 and 2 more transcripts); c.1941A>G, p.Leu647= (NM_004014.3); c.924A>G, p.Leu308= (NM_004015.3, NM_004016.3, NM_004017.3 and 2 more transcripts).
Identifiers: ClinVar variation 198638 (VCV000198638.25), dbSNP rs755438733, ClinGen allele CA247408.

ClinVar aggregate classification (germline): Conflicting classifications of pathogenicity. Review status: criteria provided, conflicting classifications (1 of 4 stars). 5 submissions from 5 submitters: Uncertain significance (1); Benign (1); Likely benign (2). 1 of the submissions does not count toward it. Last evaluated 2026-01-19.

Conditions:
Becker muscular dystrophy (BMD). Also called: MUSCULAR DYSTROPHY, PSEUDOHYPERTROPHIC PROGRESSIVE, BECKER TYPE; Becker Muscular Dystrophy (BMD). Identifiers: Orphanet 98895, MedGen C0917713, MONDO:0010311, OMIM 300376.
Cardiomyopathy (CMYO). Also called: Cardiomyopathies. Identifiers: Orphanet 167848, MedGen C0878544, MONDO:0004994, HP:0001638. Inheritance: Various modes of inheritance.
Dystrophin deficiency.
Duchenne muscular dystrophy (DMD). Also called: MUSCULAR DYSTROPHY, PSEUDOHYPERTROPHIC PROGRESSIVE, DUCHENNE TYPE; Duchenne Muscular Dystrophy (DMD). Identifiers: Orphanet 98896, MedGen C0013264, MONDO:0010679, OMIM 310200.
Cardiovascular phenotype. Identifiers: MedGen CN230736.

Allele frequency attached by ClinVar (database versions not stated): gnomAD exomes 0.00002; TOPMed 0.00003; gnomAD 0.00004; ExAC 0.00006.
gnomAD v4.1: 18 of 1,209,846 alleles (0.0015%); highest among the groups gnomAD compares: South Asian, 0.0053%; no homozygotes.

Submissions (5):

Labcorp Genetics (formerly Invitae), Labcorp
Classification: Benign for Duchenne muscular dystrophy. Last evaluated: 2026-01-19. Review status: criteria provided, single submitter. Criteria: Invitae Variant Classification Sherloc (09022015). Collection method: clinical testing. Allele origin: germline.

CeGaT Center for Human Genetics Tuebingen
Classification: Likely benign. Last evaluated: 2025-04-01. Review status: criteria provided, single submitter. Criteria: CeGaT Center For Human Genetics Tuebingen Variant Classification Criteria Version 2. Collection method: clinical testing. Allele origin: germline. Affected: yes. Observed: 1 variant allele.
Comment: DMD: BP4, BP7, BS2

Ambry Genetics
Classification: Likely benign for Cardiovascular phenotype. Last evaluated: 2022-08-03. Review status: criteria provided, single submitter. Criteria: Ambry Variant Classification Scheme 2023. Collection method: clinical testing. Allele origin: germline.

Eurofins Ntd Llc (ga)
Classification: Uncertain significance. Last evaluated: 2015-03-11. Review status: criteria provided, single submitter. Criteria: EGL Classification Definitions 2015. Collection method: clinical testing. Allele origin: germline. Observed: 1 variant allele, 1 hemizygote.

Natera, Inc.
Classification: Likely benign for Becker muscular dystrophy; Cardiomyopathy; Duchenne muscular dystrophy; Dystrophin deficiency. Last evaluated: 2019-07-10. Review status: no assertion criteria provided. Collection method: clinical testing. Allele origin: germline. Not counted in ClinVar's aggregate classification.